The following is an entry in ClinVar:

NM_000088.4(COL1A1):c.1450C>A (p.Pro484Thr)

Gene: COL1A1 (collagen type I alpha 1 chain; minus strand). Cytogenetic location: 17q21.33.
Variant type: single nucleotide variant.
Coding change: c.1450C>A on transcript NM_000088.4 (MANE Select); coding-DNA position 1450, C replaced by A.
Protein change: p.Pro484Thr; replaces proline 484 with threonine.
Molecular consequence: missense variant.
Genome position (GRCh38, 1-based): chr17:50,194,732, G>T on the plus strand (C>A on the coding strand, the complement: COL1A1 is on the minus strand). VCF-style: chr17-50194732-G-T. GRCh37 (hg19) VCF-style: chr17-48272093-G-T.
Other names: short protein forms P484T.
Identifiers: ClinVar variation 4800892 (VCV004800892.1).

ClinVar aggregate classification (germline): Uncertain significance (1 of 4 stars; one submission).

Conditions:
Osteogenesis imperfecta type I (OI1). Also called: OI, TYPE I; OSTEOGENESIS IMPERFECTA TARDA; OSTEOGENESIS IMPERFECTA WITH BLUE SCLERAE; Lobstein's Disease; Osteogenesis imperfecta type 1; Classic Non-deforming Osteogenesis Imperfecta with Blue Sclerae. Identifiers: Orphanet 216796, Orphanet 666, MedGen C0023931, MONDO:0008146, OMIM 166200. Disease mechanism: loss of function.

Submission:

Labcorp Genetics (formerly Invitae), Labcorp
Classification: Uncertain significance for Osteogenesis imperfecta type I. Last evaluated: 2025-08-06. Review status: criteria provided, single submitter. Criteria: Invitae Variant Classification Sherloc (09022015). Collection method: clinical testing. Allele origin: germline.
Comment: This sequence change replaces proline, which is neutral and non-polar, with threonine, which is neutral and polar, at codon 484 of the COL1A1 protein (p.Pro484Thr). This variant is not present in population databases (gnomAD no frequency). This variant has not been reported in the literature in individuals affected with COL1A1-related conditions. Invitae Evidence Modeling of protein sequence and biophysical properties (such as structural, functional, and spatial information, amino acid conservation, physicochemical variation, residue mobility, and thermodynamic stability) has been performed for this missense variant. However, the output from this modeling did not meet the statistical confidence thresholds required to predict the impact of this variant on COL1A1 protein function. In summary, the available evidence is currently insufficient to determine the role of this variant in disease. Therefore, it has been classified as a Variant of Uncertain Significance.